The following is an entry in ClinVar:

ClinVar aggregate classification (germline): Uncertain significance (1 of 4 stars; one submission).

Conditions:
Deficiency of aromatic-L-amino-acid decarboxylase. Also called: Aromatic L-Amino Acid Decarboxylase Deficiency; AADC DEFICIENCY; DDC DEFICIENCY; DOPA DECARBOXYLASE DEFICIENCY; Aromatic amino acid decarboxylase deficiency. Identifiers: Orphanet 35708, MedGen C1291564, MONDO:0012084, OMIM 608643.

Allele frequency attached by ClinVar (database versions not stated): gnomAD 0.00001; ExAC 0.00003; TOPMed 0.00006.
gnomAD v4.1: 36 of 1,613,736 alleles (0.0022%); highest among the groups gnomAD compares: Admixed American, 0.013%; no homozygotes.

Submission:

Labcorp Genetics (formerly Invitae), Labcorp
Classification: Uncertain significance for Deficiency of aromatic-L-amino-acid decarboxylase. Last evaluated: 2024-01-22. Review status: criteria provided, single submitter. Criteria: Invitae Variant Classification Sherloc (09022015). Collection method: clinical testing. Allele origin: germline.
Comment: This sequence change replaces aspartic acid, which is acidic and polar, with asparagine, which is neutral and polar, at codon 473 of the DDC protein (p.Asp473Asn). This variant is present in population databases (rs759389542, gnomAD 0.02%). This variant has not been reported in the literature in individuals affected with DDC-related conditions. ClinVar contains an entry for this variant (Variation ID: 1488460). Advanced modeling of protein sequence and biophysical properties (such as structural, functional, and spatial information, amino acid conservation, physicochemical variation, residue mobility, and thermodynamic stability) has been performed at Invitae for this missense variant, however the output from this modeling did not meet the statistical confidence thresholds required to predict the impact of this variant on DDC protein function. In summary, the available evidence is currently insufficient to determine the role of this variant in disease. Therefore, it has been classified as a Variant of Uncertain Significance.

NM_001082971.2(DDC):c.1417G>A (p.Asp473Asn)

Gene: DDC (dopa decarboxylase; minus strand). Cytogenetic location: 7p12.2.
Variant type: single nucleotide variant.
Coding change: c.1417G>A on transcript NM_001082971.2 (MANE Select); coding-DNA position 1417, G replaced by A.
Protein change: p.Asp473Asn; replaces aspartic acid 473 with asparagine.
Molecular consequence: missense variant.
Genome position (GRCh38, 1-based): chr7:50,463,257, C>T on the plus strand (G>A on the coding strand, the complement: DDC is on the minus strand). VCF-style: chr7-50463257-C-T. GRCh37 (hg19) VCF-style: chr7-50530955-C-T.
Other names: c.1417G>A, p.Asp473Asn (NM_000790.4); c.1303G>A, p.Asp435Asn (NM_001242886.2); c.1273G>A, p.Asp425Asn (NM_001242887.2); c.1183G>A, p.Asp395Asn (NM_001242888.2); c.1138G>A, p.Asp380Asn (NM_001242889.2); short protein forms D425N, D380N, D395N, D435N, D473N.
Identifiers: ClinVar variation 1488460 (VCV001488460.4), dbSNP rs759389542, ClinGen allele CA4261971.
Genomic context (GRCh38, chr7:50,463,257, plus strand): 5'-GCCCAGGGCAGCCTACCTGCAGCTGGCTTCACTCCTACTCCCTCTCTGCTCGCAGCACGT[C>T]GGCCGCCAGCTCTTTGATGTGTTCCCAGGCCCGCTGCACATGGGCAGATTCCACCGTGCG-3'
Protein context (NP_001076440.2, residues 463-480): AWEHIKELAA[Asp473Asn]VLRAERE